The following is an entry in ClinVar:

NM_001242957.3(MAK):c.1841C>T (p.Thr614Ile)

Gene: MAK (male germ cell associated kinase; minus strand). Cytogenetic location: 6p24.2.
Variant type: single nucleotide variant.
Coding change: c.1841C>T on transcript NM_001242957.3 (MANE Select); coding-DNA position 1841, C replaced by T.
Protein change: p.Thr614Ile; replaces threonine 614 with isoleucine.
Molecular consequence: missense variant. On other transcripts: non-coding transcript variant (2).
Genome position (GRCh38, 1-based): chr6:10,764,558, G>A on the plus strand (C>T on the coding strand, the complement: MAK is on the minus strand). VCF-style: chr6-10764558-G-A. GRCh37 (hg19) VCF-style: chr6-10764791-G-A.
Other names: c.1646C>T, p.Thr549Ile (NM_001242385.2); c.1544C>T, p.Thr515Ile (NM_001377262.1); c.1766C>T, p.Thr589Ile (NM_005906.6); c.1766C>T (NM_005906.4); short protein forms T589I, T614I, T515I, T549I.
Identifiers: ClinVar variation 1360235 (VCV001360235.5), dbSNP rs752846705, ClinGen allele CA3633327.

ClinVar aggregate classification (germline): Uncertain significance. Review status: criteria provided, multiple submitters, no conflicts (2 of 4 stars). 3 submissions from 3 submitters: Uncertain significance (3). Last evaluated 2025-01-08.

Conditions:
Inborn genetic diseases. Identifiers: MedGen C0950123, MeSH D030342.

Allele frequency attached by ClinVar (database versions not stated): ExAC 0.00001; gnomAD 0.00001; gnomAD exomes 0.00001; TOPMed 0.00001.

Submissions (3):

Ambry Genetics
Classification: Uncertain significance for Inborn genetic diseases. Last evaluated: 2025-01-08. Review status: criteria provided, single submitter. Criteria: Ambry Variant Classification Scheme 2023. Collection method: clinical testing. Allele origin: germline.

Labcorp Genetics (formerly Invitae), Labcorp
Classification: Uncertain significance. Last evaluated: 2022-06-16. Review status: criteria provided, single submitter. Criteria: Invitae Variant Classification Sherloc (09022015). Collection method: clinical testing. Allele origin: germline.
Comment: This sequence change replaces threonine, which is neutral and polar, with isoleucine, which is neutral and non-polar, at codon 614 of the MAK protein (p.Thr614Ile). This variant is present in population databases (rs752846705, gnomAD 0.003%). This variant has not been reported in the literature in individuals affected with MAK-related conditions. Advanced modeling of protein sequence and biophysical properties (such as structural, functional, and spatial information, amino acid conservation, physicochemical variation, residue mobility, and thermodynamic stability) performed at Invitae indicates that this missense variant is not expected to disrupt MAK protein function. In summary, the available evidence is currently insufficient to determine the role of this variant in disease. Therefore, it has been classified as a Variant of Uncertain Significance.

Blueprint Genetics
Classification: Uncertain significance. Last evaluated: 2019-08-28. Review status: criteria provided, single submitter. Criteria: ACMG Guidelines, 2015. Collection method: clinical testing. Allele origin: germline.